The following is an entry in ClinVar:

NM_006662.3(SRCAP):c.6153G>A (p.Leu2051=)

Gene: SRCAP (Snf2 related CREBBP activator protein; plus strand). Cytogenetic location: 16p11.2.
Variant type: single nucleotide variant.
Coding change: c.6153G>A on transcript NM_006662.3 (MANE Select); coding-DNA position 6153, G replaced by A.
Protein change: p.Leu2051=; no amino-acid change (leucine 2051 retained).
Molecular consequence: synonymous variant.
Genome position (GRCh38, 1-based): chr16:30,733,305, G>A. VCF-style: chr16-30733305-G-A. GRCh37 (hg19) VCF-style: chr16-30744626-G-A.
Identifiers: ClinVar variation 3770931 (VCV003770931.13).

ClinVar aggregate classification (germline): Likely benign (1 of 4 stars; one submission).

gnomAD v4.1: 2 of 1,614,088 alleles (0.00012%); highest among the groups gnomAD compares: Non-Finnish European, 0.00017%; no homozygotes.

Submission:

CeGaT Center for Human Genetics Tuebingen
Classification: Likely benign. Last evaluated: 2025-02-01. Review status: criteria provided, single submitter. Criteria: CeGaT Center For Human Genetics Tuebingen Variant Classification Criteria Version 2. Collection method: clinical testing. Allele origin: germline. Affected: yes. Observed: 1 variant allele.
Comment: SRCAP: BP4, BP7